The following is an entry in ClinVar:

NM_001267550.2(TTN):c.85876T>C (p.Tyr28626His)

Genes: TTN-AS1 (TTN antisense RNA 1; plus strand), TTN (titin; minus strand). Cytogenetic location: 2q31.2.
Variant type: single nucleotide variant.
Coding change: c.85876T>C on transcript NM_001267550.2 (MANE Select); coding-DNA position 85876, T replaced by C.
Protein change: p.Tyr28626His; replaces tyrosine 28626 with histidine.
Molecular consequence: missense variant.
Genome position (GRCh38, 1-based): chr2:178,560,256, A>G on the plus strand (T>C on the coding strand, the complement: TTN is on the minus strand). VCF-style: chr2-178560256-A-G. GRCh37 (hg19) VCF-style: chr2-179424983-A-G.
Other names: p.Tyr26985His; c.85876T>C (NM_001267550.1); c.80953T>C, p.Tyr26985His (NM_001256850.1); c.58681T>C, p.Tyr19561His (NM_003319.4); c.78172T>C, p.Tyr26058His (NM_133378.4); c.59056T>C, p.Tyr19686His (NM_133432.3); c.59257T>C, p.Tyr19753His (NM_133437.4); short protein forms Y28626H, Y19561H, Y19686H, Y26058H, Y26985H, Y19753H.
Identifiers: ClinVar variation 467573 (VCV000467573.17), dbSNP rs1477861188, ClinGen allele CA349547557.

ClinVar aggregate classification (germline): Uncertain significance. Review status: criteria provided, multiple submitters, no conflicts (2 of 4 stars). 6 submissions from 6 submitters: Uncertain significance (6). Last evaluated 2025-09-29.

Conditions:
Cardiovascular phenotype. Identifiers: MedGen CN230736.
Autosomal recessive limb-girdle muscular dystrophy type 2J (LGMDR10). Also called: Limb-girdle muscular dystrophy, type 2J; MUSCULAR DYSTROPHY, LIMB-GIRDLE, AUTOSOMAL RECESSIVE 10. Identifiers: Orphanet 140922, MedGen C1837342, MONDO:0012127, OMIM 608807.
Dilated cardiomyopathy 1G (CMD1G). Identifiers: Orphanet 154, MedGen C1858763, MONDO:0011400, OMIM 604145.

Allele frequency attached by ClinVar (database versions not stated): gnomAD exomes below 0.00001.
gnomAD v4.1: 1 of 1,613,824 alleles (0.000062%); highest among the groups gnomAD compares: Admixed American, 0.0017%; no homozygotes.

Submissions (6):

Athena Diagnostics
Classification: Uncertain significance. Last evaluated: 2025-09-29. Review status: criteria provided, single submitter. Criteria: Athena Diagnostics Criteria. Collection method: clinical testing. Allele origin: unknown.
Comment: Available data are insufficient to determine the clinical significance of the variant at this time. The frequency of this variant in the general population is uninformative in assessment of its pathogenicity. Polyphen and MutationTaster yielded discordant predictions regarding whether this amino acid change is damaging to the protein.

Revvity Omics, Revvity
Classification: Uncertain significance. Last evaluated: 2025-01-07. Review status: criteria provided, single submitter. Criteria: ACMG Guidelines, 2015. Collection method: clinical testing. Allele origin: germline.

Mayo Clinic Laboratories, Mayo Clinic
Classification: Uncertain significance. Last evaluated: 2022-02-03. Review status: criteria provided, single submitter. Criteria: ACMG Guidelines, 2015. Collection method: clinical testing. Allele origin: germline. Observed: 1 variant allele.
Comment: BP4, PM2_supporting

ARUP Laboratories, Molecular Genetics and Genomics, ARUP Laboratories
Classification: Uncertain significance. Last evaluated: 2021-02-04. Review status: criteria provided, single submitter. Criteria: ARUP Molecular Germline Variant Investigation Process 2021. Collection method: clinical testing. Allele origin: germline.
Comment: The TTN c.85876T>C; p.Tyr28626His variant (rs1477861188; ClinVar Variation ID: 467573) is rare in the general population (<0.2% allele frequency in the Genome Aggregation Database) and has not been reported in the medical literature in association with dilated cardiomyopathy (DCM) or other TTN-related disease. The clinical relevance of rare missense variants in this gene, which are identified on average once per individual sequenced in affected populations (Herman 2012), is not well understood. Yet, evidence suggests that the vast majority of such missense variants do not contribute to the clinical outcome of DCM (Begay 2015). Thus, the clinical significance of the p.Tyr28626His variant cannot be determined with certainty. References: Begay RL et al. Role of Titin Missense Variants in Dilated Cardiomyopathy. J Am Heart Assoc. 2015 Nov 13;4(11). Herman DS et al. Truncations of titin causing dilated cardiomyopathy. N Engl J Med. 2012 Feb 16;366(7):619-28.

Ambry Genetics
Classification: Uncertain significance for Cardiovascular phenotype. Last evaluated: 2020-05-20. Review status: criteria provided, single submitter. Criteria: Ambry Variant Classification Scheme 2023. Collection method: clinical testing. Allele origin: germline.
Comment: The p.Y19561H variant (also known as c.58681T>C), located in coding exon 153 of the TTN gene, results from a T to C substitution at nucleotide position 58681. The tyrosine at codon 19561 is replaced by histidine, an amino acid with similar properties. This amino acid position is not well conserved in available vertebrate species. In addition, this alteration is predicted to be tolerated by in silico analysis. Since supporting evidence is limited at this time, the clinical significance of this alteration remains unclear.

Labcorp Genetics (formerly Invitae), Labcorp
Classification: Uncertain significance for Dilated cardiomyopathy 1G; Autosomal recessive limb-girdle muscular dystrophy type 2J. Last evaluated: 2017-01-14. Review status: criteria provided, single submitter. Criteria: Invitae Variant Classification Sherloc (09022015). Collection method: clinical testing. Allele origin: germline.